The following is an entry in ClinVar:

ClinVar aggregate classification (germline): Conflicting classifications of pathogenicity. Review status: criteria provided, conflicting classifications (1 of 4 stars). 6 submissions from 6 submitters: Uncertain significance (5); Benign (1). Last evaluated 2026-01-26.

Conditions:
Polyps, multiple and recurrent inflammatory fibroid, gastrointestinal. Identifiers: MedGen C5193005, MONDO:0008285, OMIM 175510.
Gastrointestinal stromal tumor. Also called: Gastrointestinal stromal tumor, somatic; Gastrointestinal stroma tumor. Identifiers: Orphanet 44890, MedGen C0238198, MeSH D046152, MONDO:0011719, OMIM 606764, HP:0100723.
PDGFRA-related disorder. Also called: PDGFRA-related condition.
Hereditary cancer-predisposing syndrome. Also called: Tumor predisposition; Hereditary Cancer Syndrome; Hereditary neoplastic syndrome; Neoplastic Syndromes, Hereditary. Identifiers: Orphanet 140162, MedGen C0027672, MeSH D009386, MONDO:0015356.

Allele frequency attached by ClinVar (database versions not stated): gnomAD 0.00003; TOPMed 0.00003; 1000 Genomes Project 0.00020; 1000 Genomes Project 30x 0.00031.
gnomAD v4.1: 18 of 1,604,142 alleles (0.0011%); highest among the groups gnomAD compares: Admixed American, 0.0067%; no homozygotes.

Submissions (6):

Labcorp Genetics (formerly Invitae), Labcorp
Classification: Uncertain significance for Gastrointestinal stromal tumor. Last evaluated: 2026-01-26. Review status: criteria provided, single submitter. Criteria: Invitae Variant Classification Sherloc (09022015). Collection method: clinical testing. Allele origin: germline.
Comment: This sequence change replaces lysine, which is basic and polar, with isoleucine, which is neutral and non-polar, at codon 378 of the PDGFRA protein (p.Lys378Ile). This variant is present in population databases (rs200113704, gnomAD 0.009%). This variant has not been reported in the literature in individuals affected with PDGFRA-related conditions. ClinVar contains an entry for this variant (Variation ID: 220810). Invitae Evidence Modeling of protein sequence and biophysical properties (such as structural, functional, and spatial information, amino acid conservation, physicochemical variation, residue mobility, and thermodynamic stability) indicates that this missense variant is not expected to disrupt PDGFRA protein function with a negative predictive value of 80%. In summary, the available evidence is currently insufficient to determine the role of this variant in disease. Therefore, it has been classified as a Variant of Uncertain Significance.

Ambry Genetics
Classification: Benign for Hereditary cancer-predisposing syndrome. Last evaluated: 2024-08-20. Review status: criteria provided, single submitter. Criteria: Ambry Variant Classification Scheme 2023. Collection method: clinical testing. Allele origin: germline.

ARUP Laboratories, Molecular Genetics and Genomics, ARUP Laboratories
Classification: Uncertain significance. Last evaluated: 2024-04-18. Review status: criteria provided, single submitter. Criteria: ARUP Molecular Germline Variant Investigation Process 2024. Collection method: clinical testing. Allele origin: germline.
Comment: The PDGFRA c.1133A>T; p.Lys378Ile variant (rs200113704), to our knowledge, is not reported in the medical literature but is reported in ClinVar (Variation ID: 220810). This variant is found in the general population with an overall allele frequency of 0.002% (5/282,492 alleles) in the Genome Aggregation Database (v2.1.1). Computational analyses predict that this variant is neutral (REVEL: 0.143). Due to limited information, the clinical significance of this variant is uncertain at this time.

Baylor Genetics
Classification: Uncertain significance for Polyps, multiple and recurrent inflammatory fibroid, gastrointestinal. Last evaluated: 2024-03-07. Review status: criteria provided, single submitter. Criteria: ACMG Guidelines, 2015. Collection method: clinical testing. Allele origin: unknown.

GeneDx
Classification: Uncertain significance. Last evaluated: 2023-10-03. Review status: criteria provided, single submitter. Criteria: GeneDx Variant Classification Process June 2021. Collection method: clinical testing. Allele origin: germline. Affected: yes.
Comment: Not observed at significant frequency in large population cohorts (gnomAD); In silico analysis supports that this missense variant does not alter protein structure/function; Has not been previously published as pathogenic or benign to our knowledge

PreventionGenetics, part of Exact Sciences
Classification: Uncertain significance for PDGFRA-related condition. Last evaluated: 2023-03-10. Review status: criteria provided, single submitter. Criteria: ACMG Guidelines, 2015. Collection method: clinical testing. Allele origin: germline.
Comment: The PDGFRA c.1133A>T variant is predicted to result in the amino acid substitution p.Lys378Ile. To our knowledge, this variant has not been reported in the literature. This variant is reported in 0.0085% of alleles in individuals of Latino descent in gnomAD and interpreted as uncertain in ClinVar. At this time, the clinical significance of this variant is uncertain due to the absence of conclusive functional and genetic evidence.

NM_006206.6(PDGFRA):c.1133A>T (p.Lys378Ile)

Gene: PDGFRA (platelet derived growth factor receptor alpha; plus strand). Cytogenetic location: 4q12.
Variant type: single nucleotide variant.
Coding change: c.1133A>T on transcript NM_006206.6 (MANE Select); coding-DNA position 1133, A replaced by T.
Protein change: p.Lys378Ile; replaces lysine 378 with isoleucine.
Molecular consequence: missense variant.
Genome position (GRCh38, 1-based): chr4:54,270,644, A>T. VCF-style: chr4-54270644-A-T. GRCh37 (hg19) VCF-style: chr4-55136811-A-T.
Other names: c.1133A>T, p.Lys378Ile (NM_001347827.2, NM_001347829.2); c.1208A>T, p.Lys403Ile (NM_001347828.2); c.1172A>T, p.Lys391Ile (NM_001347830.2); c.1133A>T (NM_006206.5); short protein forms K378I, K391I, K403I.
Identifiers: ClinVar variation 220810 (VCV000220810.19), dbSNP rs200113704, ClinGen allele CA350518.